The following is an entry in ClinVar:

ClinVar aggregate classification (germline): Benign/Likely benign. Review status: criteria provided, multiple submitters, no conflicts (2 of 4 stars). 3 submissions from 3 submitters: Benign (2); Likely benign (1). Last evaluated 2026-01-17.

Conditions:
Ectodermal dysplasia and immunodeficiency 2. Identifiers: Orphanet 238468, Orphanet 98813, MedGen C2677481, MONDO:0012806, OMIM 612132.

Allele frequency attached by ClinVar (database versions not stated): 1000 Genomes Project 30x 0.00016; 1000 Genomes Project 0.00020; ExAC 0.00021; gnomAD exomes 0.00025 and 0.00042; ESP Exome Variant Server 0.00031; TOPMed 0.00031; gnomAD 0.00036.
gnomAD v4.1: 674 of 1,613,610 alleles (0.042%); highest among the groups gnomAD compares: Non-Finnish European, 0.053%; no homozygotes.

Submissions (3):

Labcorp Genetics (formerly Invitae), Labcorp
Classification: Benign for Ectodermal dysplasia and immunodeficiency 2. Last evaluated: 2026-01-17. Review status: criteria provided, single submitter. Criteria: Invitae Variant Classification Sherloc (09022015). Collection method: clinical testing. Allele origin: germline.

Blueprint Genetics
Classification: Likely benign. Last evaluated: 2024-10-17. Review status: criteria provided, single submitter. Criteria: ACMG Guidelines, 2015. Collection method: clinical testing. Allele origin: germline.

Illumina Laboratory Services, Illumina
Classification: Benign for Ectodermal dysplasia and immunodeficiency 2. Last evaluated: 2018-01-13. Review status: criteria provided, single submitter. Criteria: ICSL Variant Classification Criteria 13 December 2019. Collection method: clinical testing. Allele origin: germline.
Comment: This variant was observed in the ICSL laboratory as part of a predisposition screen in an ostensibly healthy population. It had not been previously curated by ICSL or reported in the Human Gene Mutation Database (HGMD: prior to June 1st, 2018), and was therefore a candidate for classification through an automated scoring system. Utilizing variant allele frequency, disease prevalence and penetrance estimates, and inheritance mode, an automated score was calculated to assess if this variant is too frequent to cause the disease. Based on the score and internal cut-off values, a variant classified as benign is not then subjected to further curation. The score for this variant resulted in a classification of benign for this disease.

NM_020529.3(NFKBIA):c.554C>T (p.Thr185Met)

Gene: NFKBIA (NFKB inhibitor alpha; minus strand). Cytogenetic location: 14q13.2.
Variant type: single nucleotide variant.
Coding change: c.554C>T on transcript NM_020529.3 (MANE Select); coding-DNA position 554, C replaced by T.
Protein change: p.Thr185Met; replaces threonine 185 with methionine.
Molecular consequence: missense variant.
Genome position (GRCh38, 1-based): chr14:35,402,853, G>A on the plus strand (C>T on the coding strand, the complement: NFKBIA is on the minus strand). VCF-style: chr14-35402853-G-A. GRCh37 (hg19) VCF-style: chr14-35872059-G-A.
Other names: short protein forms T185M.
Identifiers: ClinVar variation 313111 (VCV000313111.20), dbSNP rs142195196, ClinGen allele CA7155416.